The following is an entry in ClinVar:

NM_001354483.2(CSGALNACT1):c.845A>C (p.Asn282Thr)

Gene: CSGALNACT1 (chondroitin sulfate N-acetylgalactosaminyltransferase 1; minus strand). Cytogenetic location: 8p21.3.
Variant type: single nucleotide variant.
Coding change: c.845A>C on transcript NM_001354483.2 (MANE Select); coding-DNA position 845, A replaced by C.
Protein change: p.Asn282Thr; replaces asparagine 282 with threonine.
Molecular consequence: missense variant. On other transcripts: non-coding transcript variant (7).
Genome position (GRCh38, 1-based): chr8:19,458,432, T>G on the plus strand (A>C on the coding strand, the complement: CSGALNACT1 is on the minus strand). VCF-style: chr8-19458432-T-G. GRCh37 (hg19) VCF-style: chr8-19315943-T-G.
Other names: c.845A>C, p.Asn282Thr (NM_001130518.2, NM_001354475.2, NM_001354476.2 and 18 more transcripts); short protein forms N282T.
Identifiers: ClinVar variation 2053925 (VCV002053925.4), dbSNP rs746383239, ClinGen allele CA4654096.

ClinVar aggregate classification (germline): Uncertain significance (1 of 4 stars; one submission).

Allele frequency attached by ClinVar (database versions not stated): gnomAD exomes 0.00002; ExAC 0.00001; TOPMed 0.00002.
gnomAD v4.1: 23 of 1,613,978 alleles (0.0014%); highest among the groups gnomAD compares: Non-Finnish European, 0.0019%; no homozygotes.

Submission:

Labcorp Genetics (formerly Invitae), Labcorp
Classification: Uncertain significance. Last evaluated: 2022-07-10. Review status: criteria provided, single submitter. Criteria: Invitae Variant Classification Sherloc (09022015). Collection method: clinical testing. Allele origin: germline.
Comment: In summary, the available evidence is currently insufficient to determine the role of this variant in disease. Therefore, it has been classified as a Variant of Uncertain Significance. Algorithms developed to predict the effect of missense changes on protein structure and function are either unavailable or do not agree on the potential impact of this missense change (SIFT: "Tolerated"; PolyPhen-2: "Probably Damaging"; Align-GVGD: "Class C0"). This variant has not been reported in the literature in individuals affected with CSGALNACT1-related conditions. This variant is present in population databases (rs746383239, gnomAD 0.005%). This sequence change replaces asparagine, which is neutral and polar, with threonine, which is neutral and polar, at codon 282 of the CSGALNACT1 protein (p.Asn282Thr).